The following is an entry in ClinVar:

NM_001393504.1(MAST3):c.826G>C (p.Glu276Gln)

Gene: MAST3 (microtubule associated serine/threonine kinase 3; plus strand). Cytogenetic location: 19p13.11.
Variant type: single nucleotide variant.
Coding change: c.826G>C on transcript NM_001393504.1 (MANE Select); coding-DNA position 826, G replaced by C.
Protein change: p.Glu276Gln; replaces glutamic acid 276 with glutamine.
Molecular consequence: missense variant.
Genome position (GRCh38, 1-based): chr19:18,124,131, G>C. VCF-style: chr19-18124131-G-C. GRCh37 (hg19) VCF-style: chr19-18234941-G-C.
Other names: c.850G>C, p.Glu284Gln (NM_001393501.1); c.829G>C, p.Glu277Gln (NM_001393502.1); c.826G>C, p.Glu276Gln (NM_001393503.1); c.823G>C, p.Glu275Gln (NM_001393505.1); c.778G>C, p.Glu260Gln (NM_001393506.1, NM_001393513.1); c.805G>C, p.Glu269Gln (NM_001393507.1); c.760G>C, p.Glu254Gln (NM_001393508.1, NM_001393516.1); c.757G>C, p.Glu253Gln (NM_001393509.1, NM_001393510.1, NM_001393512.1 and 2 more transcripts); and 4 more; short protein forms E238Q, E246Q, E247Q, E252Q, E253Q, E254Q, E260Q, E269Q.
Identifiers: ClinVar variation 3365177 (VCV003365177.1).

ClinVar aggregate classification (germline): Uncertain significance (1 of 4 stars; one submission).

gnomAD v4.1: 1 of 1,610,656 alleles (0.000062%); highest among the groups gnomAD compares: Admixed American, 0.0017%; no homozygotes.

Submission:

GeneDx
Classification: Uncertain significance. Last evaluated: 2023-12-04. Review status: criteria provided, single submitter. Criteria: GeneDx Variant Classification Process June 2021. Collection method: clinical testing. Allele origin: germline. Affected: yes.
Comment: Not observed at significant frequency in large population cohorts (gnomAD); In silico analysis supports that this missense variant does not alter protein structure/function; Has not been previously published as pathogenic or benign to our knowledge